The following is an entry in ClinVar:

NM_005963.4(MYH1):c.2119C>T (p.Arg707Cys)

Genes: MYH1 (myosin heavy chain 1; minus strand), MYHAS (myosin heavy chain gene cluster antisense RNA; plus strand). Cytogenetic location: 17p13.1.
Variant type: single nucleotide variant.
Coding change: c.2119C>T on transcript NM_005963.4 (MANE Select); coding-DNA position 2119, C replaced by T.
Protein change: p.Arg707Cys; replaces arginine 707 with cysteine.
Molecular consequence: missense variant.
Genome position (GRCh38, 1-based): chr17:10,505,867, G>A on the plus strand (C>T on the coding strand, the complement: MYH1 is on the minus strand). VCF-style: chr17-10505867-G-A. GRCh37 (hg19) VCF-style: chr17-10409184-G-A.
Other names: c.2119C>T (NM_005963.3); short protein forms R707C.
Identifiers: ClinVar variation 3771674 (VCV003771674.13).

ClinVar aggregate classification (germline): Uncertain significance. Review status: criteria provided, multiple submitters, no conflicts (2 of 4 stars). 2 submissions from 2 submitters: Uncertain significance (2). Last evaluated 2025-04-25.

gnomAD v4.1: 22 of 1,613,958 alleles (0.0014%); highest among the groups gnomAD compares: Admixed American, 0.0017%; no homozygotes.

Submissions (2):

Ambry Genetics
Classification: Uncertain significance. Last evaluated: 2025-04-25. Review status: criteria provided, single submitter. Criteria: Ambry Variant Classification Scheme 2023. Collection method: clinical testing. Allele origin: germline.

CeGaT Center for Human Genetics Tuebingen
Classification: Uncertain significance. Last evaluated: 2025-02-01. Review status: criteria provided, single submitter. Criteria: CeGaT Center For Human Genetics Tuebingen Variant Classification Criteria Version 2. Collection method: clinical testing. Allele origin: germline. Affected: yes. Observed: 1 variant allele.
Comment: MYH1: PM2, PP3